The following is an entry in ClinVar:

NM_001267550.2(TTN):c.75470G>A (p.Arg25157Gln)

Genes: TTN (titin; minus strand), TTN-AS1 (TTN antisense RNA 1; plus strand). Cytogenetic location: 2q31.2.
Variant type: single nucleotide variant.
Coding change: c.75470G>A on transcript NM_001267550.2 (MANE Select); coding-DNA position 75470, G replaced by A.
Protein change: p.Arg25157Gln; replaces arginine 25157 with glutamine.
Molecular consequence: missense variant.
Genome position (GRCh38, 1-based): chr2:178,570,662, C>T on the plus strand (G>A on the coding strand, the complement: TTN is on the minus strand). VCF-style: chr2-178570662-C-T. GRCh37 (hg19) VCF-style: chr2-179435389-C-T.
Other names: c.70547G>A, p.Arg23516Gln (NM_001256850.1); c.48275G>A, p.Arg16092Gln (NM_003319.4); c.67766G>A, p.Arg22589Gln (NM_133378.4); c.48650G>A, p.Arg16217Gln (NM_133432.3); c.48851G>A, p.Arg16284Gln (NM_133437.4); short protein forms R22589Q, R16092Q, R16217Q, R25157Q, R16284Q, R23516Q.
Identifiers: ClinVar variation 668280 (VCV000668280.4), dbSNP rs779410073, ClinGen allele CA1990047.

ClinVar aggregate classification (germline): Likely benign. Review status: criteria provided, single submitter (1 of 4 stars). 2 submissions from 2 submitters: Likely benign (1). 1 of the submissions does not count toward it. Last evaluated 2021-01-21.

Conditions:
TTN-related disorder. Also called: TTN-related condition; TTN-related disease; TTN-related disorders.

Allele frequency attached by ClinVar (database versions not stated): ExAC 0.00002; gnomAD exomes 0.00002; gnomAD 0.00001; TOPMed 0.00001.
gnomAD v4.1: 14 of 1,613,344 alleles (0.00087%); highest among the groups gnomAD compares: African/African-American, 0.0013%; no homozygotes.

Submissions (2):

GeneDx
Classification: Likely benign. Last evaluated: 2021-01-21. Review status: criteria provided, single submitter. Criteria: GeneDx Variant Classification Process June 2021. Collection method: clinical testing. Allele origin: germline. Affected: yes.

PreventionGenetics, part of Exact Sciences
Classification: Uncertain significance for TTN-related condition. Last evaluated: 2024-09-09. Review status: no assertion criteria provided. Collection method: clinical testing. Allele origin: germline. Not counted in ClinVar's aggregate classification.
Comment: The TTN c.75470G>A variant is predicted to result in the amino acid substitution p.Arg25157Gln. To our knowledge, this variant has not been reported in the literature. This variant is reported in 0.0053% of alleles in individuals of European (Non-Finnish) descent in gnomAD. At this time, the clinical significance of this variant is uncertain due to the absence of conclusive functional and genetic evidence.